The following is an entry in ClinVar:

NM_000143.4(FH):c.652C>T (p.Leu218Phe)

Gene: FH (fumarate hydratase; minus strand). Cytogenetic location: 1q43.
Variant type: single nucleotide variant.
Coding change: c.652C>T on transcript NM_000143.4 (MANE Select); coding-DNA position 652, C replaced by T.
Protein change: p.Leu218Phe; replaces leucine 218 with phenylalanine.
Molecular consequence: missense variant.
Genome position (GRCh38, 1-based): chr1:241,508,689, G>A on the plus strand (C>T on the coding strand, the complement: FH is on the minus strand). VCF-style: chr1-241508689-G-A. GRCh37 (hg19) VCF-style: chr1-241671989-G-A.
Other names: short protein forms L218F.
Identifiers: ClinVar variation 3655859 (VCV003655859.3).

ClinVar aggregate classification (germline): Uncertain significance. Review status: criteria provided, multiple submitters, no conflicts (2 of 4 stars). 2 submissions from 2 submitters: Uncertain significance (2). Last evaluated 2026-03-06.

Conditions:
Hereditary cancer-predisposing syndrome. Also called: Hereditary Cancer Syndrome; Neoplastic Syndromes, Hereditary; Tumor predisposition; Hereditary neoplastic syndrome. Identifiers: Orphanet 140162, MedGen C0027672, MeSH D009386, MONDO:0015356.

Submissions (2):

Ambry Genetics
Classification: Uncertain significance for Hereditary cancer-predisposing syndrome. Last evaluated: 2026-03-06. Review status: criteria provided, single submitter. Criteria: Ambry Variant Classification Scheme 2023. Collection method: clinical testing. Allele origin: germline.
Comment: The p.L218F variant (also known as c.652C>T), located in coding exon 5 of the FH gene, results from a C to T substitution at nucleotide position 652. The leucine at codon 218 is replaced by phenylalanine, an amino acid with highly similar properties. This amino acid position is highly conserved in available vertebrate species. In addition, this alteration is predicted to be deleterious by in silico analysis. Based on the available evidence, the clinical significance of this variant remains unclear.

Labcorp Genetics (formerly Invitae), Labcorp
Classification: Uncertain significance. Last evaluated: 2024-06-08. Review status: criteria provided, single submitter. Criteria: Invitae Variant Classification Sherloc (09022015). Collection method: clinical testing. Allele origin: germline.
Comment: This sequence change replaces leucine, which is neutral and non-polar, with phenylalanine, which is neutral and non-polar, at codon 218 of the FH protein (p.Leu218Phe). This variant is not present in population databases (gnomAD no frequency). This variant has not been reported in the literature in individuals affected with FH-related conditions. Advanced modeling of protein sequence and biophysical properties (such as structural, functional, and spatial information, amino acid conservation, physicochemical variation, residue mobility, and thermodynamic stability) has been performed at Invitae for this missense variant, however the output from this modeling did not meet the statistical confidence thresholds required to predict the impact of this variant on FH protein function. This variant disrupts the p.Leu218 amino acid residue in FH. Other variant(s) that disrupt this residue have been determined to be pathogenic (Invitae). This suggests that this residue is clinically significant, and that variants that disrupt this residue are likely to be disease-causing. In summary, the available evidence is currently insufficient to determine the role of this variant in disease. Therefore, it has been classified as a Variant of Uncertain Significance.